The following is an entry in ClinVar:

NM_001371928.1(AHDC1):c.1295C>T (p.Pro432Leu)

Gene: AHDC1 (AT-hook DNA binding motif containing 1; minus strand). Cytogenetic location: 1p36.11.
Variant type: single nucleotide variant.
Coding change: c.1295C>T on transcript NM_001371928.1 (MANE Select); coding-DNA position 1295, C replaced by T.
Protein change: p.Pro432Leu; replaces proline 432 with leucine.
Molecular consequence: missense variant.
Genome position (GRCh38, 1-based): chr1:27,550,821, G>A on the plus strand (C>T on the coding strand, the complement: AHDC1 is on the minus strand). VCF-style: chr1-27550821-G-A. GRCh37 (hg19) VCF-style: chr1-27877332-G-A.
Other names: c.1295C>T, p.Pro432Leu (NM_001029882.3); short protein forms P432L.
Identifiers: ClinVar variation 1700918 (VCV001700918.3), dbSNP rs2148287458, ClinGen allele CA339234639.

ClinVar aggregate classification (germline): Uncertain significance (1 of 4 stars; one submission).

Submission:

GeneDx
Classification: Uncertain significance. Last evaluated: 2024-12-31. Review status: criteria provided, single submitter. Criteria: GeneDx Variant Classification Process June 2021. Collection method: clinical testing. Allele origin: germline. Affected: yes.
Comment: Not observed at significant frequency in large population cohorts (gnomAD); In silico analysis indicates that this missense variant does not alter protein structure/function; Has not been previously published as pathogenic or benign to our knowledge